The following is an entry in ClinVar:

NM_015884.4(MBTPS2):c.472A>G (p.Thr158Ala)

Gene: MBTPS2 (membrane bound transcription factor peptidase, site 2; plus strand). Cytogenetic location: Xp22.12.
Variant type: single nucleotide variant.
Coding change: c.472A>G on transcript NM_015884.4 (MANE Select); coding-DNA position 472, A replaced by G.
Protein change: p.Thr158Ala; replaces threonine 158 with alanine.
Molecular consequence: missense variant.
Genome position (GRCh38, 1-based): chrX:21,851,542, A>G. VCF-style: chrX-21851542-A-G. GRCh37 (hg19) VCF-style: chrX-21869660-A-G.
Other names: short protein forms T158A.
Identifiers: ClinVar variation 95742 (VCV000095742.8), dbSNP rs398124306, ClinGen allele CA223238.
Genomic context (GRCh38, chrX:21,851,542, plus strand): 5'-TTGCTGCCATATTGTGTCTATGAACAGGTTCCTGGTATAAATTTACCCGTCAATCAACTG[A>G]CCTATTTCTTCACGGCAGTTCTCATTAGTGGTGTTGTACATGAAATTGGACATGGGATAG-3'
Protein context (NP_056968.1, residues 148-168): PGINLPVNQL[Thr158Ala]YFFTAVLISG

ClinVar aggregate classification (germline): Uncertain significance. Review status: criteria provided, multiple submitters, no conflicts (2 of 4 stars). 2 submissions from 2 submitters: Uncertain significance (2). Last evaluated 2024-08-05.

Allele frequency attached by ClinVar (database versions not stated): gnomAD exomes 0.00001 and 0.00002; ExAC 0.00002.
gnomAD v4.1: 7 of 1,207,384 alleles (0.00058%); highest among the groups gnomAD compares: South Asian, 0.0088%; no homozygotes.

Submissions (2):

Labcorp Genetics (formerly Invitae), Labcorp
Classification: Uncertain significance. Last evaluated: 2024-08-05. Review status: criteria provided, single submitter. Criteria: Invitae Variant Classification Sherloc (09022015). Collection method: clinical testing. Allele origin: germline.
Comment: This sequence change replaces threonine, which is neutral and polar, with alanine, which is neutral and non-polar, at codon 158 of the MBTPS2 protein (p.Thr158Ala). This variant is present in population databases (rs398124306, gnomAD 0.005%). This variant has not been reported in the literature in individuals affected with MBTPS2-related conditions. ClinVar contains an entry for this variant (Variation ID: 95742). Advanced modeling of protein sequence and biophysical properties (such as structural, functional, and spatial information, amino acid conservation, physicochemical variation, residue mobility, and thermodynamic stability) performed at Invitae indicates that this missense variant is not expected to disrupt MBTPS2 protein function with a negative predictive value of 80%. In summary, the available evidence is currently insufficient to determine the role of this variant in disease. Therefore, it has been classified as a Variant of Uncertain Significance.

Eurofins Ntd Llc (ga)
Classification: Uncertain significance. Last evaluated: 2012-12-18. Review status: criteria provided, single submitter. Criteria: EGL Classification Definitions 2015. Collection method: clinical testing. Allele origin: germline. Observed: 1 variant allele, 1 hemizygote.